The following is an entry in ClinVar:

NM_005726.6(TSFM):c.959A>G (p.Glu320Gly)

Gene: TSFM (Ts translation elongation factor, mitochondrial; plus strand). Cytogenetic location: 12q14.1.
Variant type: single nucleotide variant.
Coding change: c.959A>G on transcript NM_005726.6 (MANE Select); coding-DNA position 959, A replaced by G.
Protein change: p.Glu320Gly; replaces glutamic acid 320 with glycine.
Molecular consequence: missense variant. On other transcripts: 3 prime UTR variant (1), intron variant (1).
Genome position (GRCh38, 1-based): chr12:57,796,564, A>G. VCF-style: chr12-57796564-A-G. GRCh37 (hg19) VCF-style: chr12-58190347-A-G.
Other names: c.*367A>G (NM_001172695.2); c.1022A>G, p.Glu341Gly (NM_001172696.2); c.571+3491A>G (NM_001172697.2); short protein forms E320G, E341G.
Identifiers: ClinVar variation 1487185 (VCV001487185.6), dbSNP rs1955743801, ClinGen allele CA385532365.
Genomic context (GRCh38, chr12:57,796,564, plus strand): 5'-TGCAGCCTCAGGGGGTGTCGGTAGTAGACTTTGTGCGGTTTGAATGTGGAGAAGGTGAAG[A>G]GGCAGCAGAAACTGAATAGGTTCCAGAGACTTTTGGCCCAGGAGGAATATTTACTTTTAG-3'
Protein context (NP_005717.3, residues 310-325): FVRFECGEGE[Glu320Gly]AAETE

ClinVar aggregate classification (germline): Uncertain significance (1 of 4 stars; one submission).

Submission:

Labcorp Genetics (formerly Invitae), Labcorp
Classification: Uncertain significance. Last evaluated: 2024-01-02. Review status: criteria provided, single submitter. Criteria: Invitae Variant Classification Sherloc (09022015). Collection method: clinical testing. Allele origin: germline.
Comment: This sequence change replaces glutamic acid, which is acidic and polar, with glycine, which is neutral and non-polar, at codon 341 of the TSFM protein (p.Glu341Gly). This variant is not present in population databases (gnomAD no frequency). This variant has not been reported in the literature in individuals affected with TSFM-related conditions. ClinVar contains an entry for this variant (Variation ID: 1487185). Algorithms developed to predict the effect of missense changes on protein structure and function output the following: SIFT: "Not Available"; PolyPhen-2: "Not Available"; Align-GVGD: "Not Available". The glycine amino acid residue is found in multiple mammalian species, which suggests that this missense change does not adversely affect protein function. In summary, the available evidence is currently insufficient to determine the role of this variant in disease. Therefore, it has been classified as a Variant of Uncertain Significance.